The following is an entry in ClinVar:

ClinVar aggregate classification (germline): Likely benign (1 of 4 stars; one submission).

Allele frequency attached by ClinVar (database versions not stated): gnomAD 0.00019; 1000 Genomes Project 30x 0.00062; ExAC 0.00083.

Submission:

CeGaT Center for Human Genetics Tuebingen
Classification: Likely benign. Last evaluated: 2026-09-01. Review status: criteria provided, single submitter. Criteria: CeGaT Center For Human Genetics Tuebingen Variant Classification Criteria Version 2. Collection method: clinical testing. Allele origin: germline. Affected: yes. Observed: 16 variant alleles.
Comment: FAM186A: BP4, BP7

NM_001145475.3(FAM186A):c.4728G>T (p.Gly1576=)

Gene: FAM186A (family with sequence similarity 186 member A; minus strand). Cytogenetic location: 12q13.12.
Variant type: single nucleotide variant.
Coding change: c.4728G>T on transcript NM_001145475.3 (MANE Select); coding-DNA position 4728, G replaced by T.
Protein change: p.Gly1576=; no amino-acid change (glycine 1576 retained).
Molecular consequence: synonymous variant.
Genome position (GRCh38, 1-based): chr12:50,352,104, C>A on the plus strand (G>T on the coding strand, the complement: FAM186A is on the minus strand). VCF-style: chr12-50352104-C-A. GRCh37 (hg19) VCF-style: chr12-50745887-C-A.
Identifiers: ClinVar variation 2642981 (VCV002642981.24), dbSNP rs113049433, ClinGen allele CA6563152.